The following is an entry in ClinVar:

ClinVar aggregate classification (germline): Conflicting classifications of pathogenicity. Review status: criteria provided, conflicting classifications (1 of 4 stars). 3 submissions from 3 submitters: Uncertain significance (1); Likely benign (1). 1 of the submissions does not count toward it. Last evaluated 2025-12-15.

Conditions:
Microcephalic osteodysplastic primordial dwarfism type II (MOPD2). Also called: Microcephalic osteodysplastic primordial dwarfism with tooth abnormalities; MOPD II; OSTEODYSPLASTIC PRIMORDIAL DWARFISM, TYPE II. Identifiers: Orphanet 2637, MedGen C0432246, MONDO:0008872, OMIM 210720.
PCNT-related disorder. Also called: PCNT-related condition.

Allele frequency attached by ClinVar (database versions not stated): gnomAD exomes 0.00024; TOPMed 0.00009; ExAC 0.00022; gnomAD 0.00006.
gnomAD v4.1: 74 of 1,608,370 alleles (0.0046%); highest among the groups gnomAD compares: East Asian, 0.11%; 1 homozygote.

Submissions (3):

Labcorp Genetics (formerly Invitae), Labcorp
Classification: Likely benign. Last evaluated: 2025-12-15. Review status: criteria provided, single submitter. Criteria: Invitae Variant Classification Sherloc (09022015). Collection method: clinical testing. Allele origin: germline.

Illumina Laboratory Services, Illumina
Classification: Uncertain significance for Microcephalic osteodysplastic primordial dwarfism type II. Last evaluated: 2018-01-13. Review status: criteria provided, single submitter. Criteria: ICSL Variant Classification Criteria 13 December 2019. Collection method: clinical testing. Allele origin: germline.

PreventionGenetics, part of Exact Sciences
Classification: Likely benign for PCNT-related condition. Last evaluated: 2022-12-15. Review status: no assertion criteria provided. Collection method: clinical testing. Allele origin: germline. Not counted in ClinVar's aggregate classification.
Comment: This variant is classified as likely benign based on ACMG/AMP sequence variant interpretation guidelines (Richards et al. 2015 PMID: 25741868, with internal and published modifications).

NM_006031.6(PCNT):c.5960A>T (p.Asp1987Val)

Gene: PCNT (pericentrin; plus strand). Cytogenetic location: 21q22.3.
Variant type: single nucleotide variant.
Coding change: c.5960A>T on transcript NM_006031.6 (MANE Select); coding-DNA position 5960, A replaced by T.
Protein change: p.Asp1987Val; replaces aspartic acid 1987 with valine.
Molecular consequence: missense variant.
Genome position (GRCh38, 1-based): chr21:46,412,033, A>T. VCF-style: chr21-46412033-A-T. GRCh37 (hg19) VCF-style: chr21-47831947-A-T.
Other names: c.5606A>T, p.Asp1869Val (NM_001315529.2); short protein forms D1987V, D1869V.
Identifiers: ClinVar variation 340511 (VCV000340511.14), dbSNP rs374300652, ClinGen allele CA10080133.
Genomic context (GRCh38, chr21:46,412,033, plus strand): 5'-AGCCTCGCATGGATGGTGGCGCCAAGGCCCAGGTCACCGGCGACGTGGAGGCCTCCCATG[A>T]TGCTGCTTTGGAGCCGGTTGTCCCTGACCCACAGGTGGGCTCCCCCCGCGGGCCATGGCA-3'
Protein context (NP_006022.3, residues 1977-1997): QVTGDVEASH[Asp1987Val]AALEPVVPDP